The following is an entry in ClinVar:

ClinVar aggregate classification (germline): Uncertain significance. Review status: criteria provided, multiple submitters, no conflicts (2 of 4 stars). 4 submissions from 4 submitters: Uncertain significance (4). Last evaluated 2025-03-20.

Conditions:
Autosomal recessive ataxia, Beauce type. Also called: Spinocerebellar ataxia, autosomal recessive 8; SYNE1-Related Autosomal Recessive Cerebellar Ataxia; SYNE1 Deficiency; ATAXIA, RECESSIVE, OF BEAUCE. Identifiers: Orphanet 88644, MedGen C1853116, MONDO:0012549, OMIM 610743.
Emery-Dreifuss muscular dystrophy 4, autosomal dominant (EDMD4). Also called: EMERY-DREIFUSS MUSCULAR DYSTROPHY 4 WITH VARIABLE FEATURES. Identifiers: Orphanet 261, MedGen C2751807, MONDO:0013071, OMIM 612998.

Allele frequency attached by ClinVar (database versions not stated): ExAC 0.00002; gnomAD exomes 0.00002.
gnomAD v4.1: 9 of 1,613,490 alleles (0.00056%); highest among the groups gnomAD compares: Admixed American, 0.013%; no homozygotes.

Submissions (4):

GeneDx
Classification: Uncertain significance. Last evaluated: 2025-03-20. Review status: criteria provided, single submitter. Criteria: GeneDx Variant Classification Process June 2021. Collection method: clinical testing. Allele origin: germline. Affected: yes.
Comment: Not observed at significant frequency in large population cohorts (gnomAD); In silico analysis indicates that this missense variant does not alter protein structure/function; Has not been previously published as pathogenic or benign to our knowledge

Revvity Omics, Revvity
Classification: Uncertain significance. Last evaluated: 2024-01-15. Review status: criteria provided, single submitter. Criteria: ACMG Guidelines, 2015. Collection method: clinical testing. Allele origin: germline.

Labcorp Genetics (formerly Invitae), Labcorp
Classification: Uncertain significance for Emery-Dreifuss muscular dystrophy 4, autosomal dominant; Autosomal recessive ataxia, Beauce type. Last evaluated: 2022-08-12. Review status: criteria provided, single submitter. Criteria: Invitae Variant Classification Sherloc (09022015). Collection method: clinical testing. Allele origin: germline.
Comment: This sequence change replaces alanine, which is neutral and non-polar, with serine, which is neutral and polar, at codon 2131 of the SYNE1 protein (p.Ala2131Ser). This variant is present in population databases (rs755998102, gnomAD 0.01%). This variant has not been reported in the literature in individuals affected with SYNE1-related conditions. Algorithms developed to predict the effect of missense changes on protein structure and function (SIFT, PolyPhen-2, Align-GVGD) all suggest that this variant is likely to be tolerated. In summary, the available evidence is currently insufficient to determine the role of this variant in disease. Therefore, it has been classified as a Variant of Uncertain Significance.

Blueprint Genetics
Classification: Uncertain significance. Last evaluated: 2018-06-05. Review status: criteria provided, single submitter. Criteria: ACMG Guidelines, 2015. Collection method: clinical testing. Allele origin: germline.

NM_182961.4(SYNE1):c.6370G>T (p.Ala2124Ser)

Gene: SYNE1 (spectrin repeat containing nuclear envelope protein 1; minus strand). Cytogenetic location: 6q25.2.
Variant type: single nucleotide variant.
Coding change: c.6370G>T on transcript NM_182961.4 (MANE Select); coding-DNA position 6370, G replaced by T.
Protein change: p.Ala2124Ser; replaces alanine 2124 with serine.
Molecular consequence: missense variant.
Genome position (GRCh38, 1-based): chr6:152,409,570, C>A on the plus strand (G>T on the coding strand, the complement: SYNE1 is on the minus strand). VCF-style: chr6-152409570-C-A. GRCh37 (hg19) VCF-style: chr6-152730705-C-A.
Other names: c.6391G>T, p.Ala2131Ser (NM_033071.5); short protein forms A2124S, A2131S.
Identifiers: ClinVar variation 2143704 (VCV002143704.4), dbSNP rs755998102, ClinGen allele CA4058102.